The following is an entry in ClinVar:

NM_000426.4(LAMA2):c.8147G>A (p.Arg2716His)

Gene: LAMA2 (laminin subunit alpha 2; plus strand). Cytogenetic location: 6q22.33.
Variant type: single nucleotide variant.
Coding change: c.8147G>A on transcript NM_000426.4 (MANE Select); coding-DNA position 8147, G replaced by A.
Protein change: p.Arg2716His; replaces arginine 2716 with histidine.
Molecular consequence: missense variant.
Genome position (GRCh38, 1-based): chr6:129,492,386, G>A. VCF-style: chr6-129492386-G-A. GRCh37 (hg19) VCF-style: chr6-129813531-G-A.
Other names: c.8135G>A, p.Arg2712His (NM_001079823.2); short protein forms R2716H, R2712H.
Identifiers: ClinVar variation 447694 (VCV000447694.16), dbSNP rs142781107, ClinGen allele CA3994750.
Genomic context (GRCh38, chr6:129,492,386, plus strand): 5'-TTGCAAGGCCTGTGTCCTTCAAAAATGCTGACATTGGTCGCTGTGCCCATCAGAAACTCC[G>A]TGAAGATGAAGATGGAGCAGCTCCAGCTGAAATAGTTATCCAGCCTGAGCCAGTTCCCAC-3'
Protein context (NP_000417.3, residues 2706-2726): DIGRCAHQKL[Arg2716His]EDEDGAAPAE

ClinVar aggregate classification (germline): Conflicting classifications of pathogenicity. Review status: criteria provided, conflicting classifications (1 of 4 stars). 7 submissions from 7 submitters: Uncertain significance (4); Likely benign (3). Last evaluated 2025-12-27.

Conditions:
Inborn genetic diseases. Identifiers: MedGen C0950123, MeSH D030342.
LAMA2-related muscular dystrophy (LAMA2-RD). Also called: Laminin alpha 2-related dystrophy. Identifiers: MedGen C5679788, MONDO:0100228.

Allele frequency attached by ClinVar (database versions not stated): ExAC 0.00007; gnomAD exomes 0.00007 and 0.00009; gnomAD 0.00010 and 0.00011; TOPMed 0.00015; ESP Exome Variant Server 0.00023.
gnomAD v4.1: 157 of 1,613,980 alleles (0.0097%); highest among the groups gnomAD compares: Middle Eastern, 0.016%; no homozygotes.

Submissions (7):

Labcorp Genetics (formerly Invitae), Labcorp
Classification: Likely benign for LAMA2-related muscular dystrophy. Last evaluated: 2025-12-27. Review status: criteria provided, single submitter. Criteria: Invitae Variant Classification Sherloc (09022015). Collection method: clinical testing. Allele origin: germline.

GeneDx
Classification: Uncertain significance. Last evaluated: 2023-12-11. Review status: criteria provided, single submitter. Criteria: GeneDx Variant Classification Process June 2021. Collection method: clinical testing. Allele origin: germline. Affected: yes.
Comment: In silico analysis supports that this missense variant does not alter protein structure/function; This variant is associated with the following publications: (PMID: 31983221)

Mayo Clinic Laboratories, Mayo Clinic
Classification: Uncertain significance. Last evaluated: 2023-06-22. Review status: criteria provided, single submitter. Criteria: ACMG Guidelines, 2015. Collection method: clinical testing. Allele origin: germline. Observed: 1 variant allele.
Comment: BP4

Blueprint Genetics
Classification: Likely benign. Last evaluated: 2023-04-21. Review status: criteria provided, single submitter. Criteria: ACMG Guidelines, 2015. Collection method: clinical testing. Allele origin: germline.

Ambry Genetics
Classification: Likely benign for Inborn genetic diseases. Last evaluated: 2021-11-24. Review status: criteria provided, single submitter. Criteria: Ambry Variant Classification Scheme 2023. Collection method: clinical testing. Allele origin: germline.

Revvity Omics, Revvity
Classification: Uncertain significance. Last evaluated: 2021-06-16. Review status: criteria provided, single submitter. Criteria: ACMG Guidelines, 2015. Collection method: clinical testing. Allele origin: germline.

Athena Diagnostics
Classification: Uncertain significance. Last evaluated: 2016-11-21. Review status: criteria provided, single submitter. Criteria: Athena Diagnostics Criteria. Collection method: clinical testing. Allele origin: germline.